The following is an entry in ClinVar:

NM_198252.3(GSN):c.-9-2079_-9-2035del

Gene: GSN (gelsolin; plus strand). Cytogenetic location: 9q33.2.
Variant type: Deletion.
Coding change: c.-9-2079_-9-2035del on transcript NM_198252.3 (MANE Select); 2079 bases into the intron before 9 bases upstream of the start codon through 2035 bases into the intron before 9 bases upstream of the start codon, 45 bases deleted.
Molecular consequence: intron variant. On other transcripts: inframe deletion (1).
Genome position (GRCh38, 1-based): chr9:121,299,884-121,299,928, 45 bases deleted; deleting any 45 consecutive bases within chr9:121,299,881-121,299,928 gives the same sequence; the c. name uses the placement nearest the transcript's 3' end. GRCh37 (hg19): chr9:124,062,162-124,062,206.
Other names: p.Pro8_Ser22del; c.23_67del, p.Pro8_Ser22del (NM_000177.5); c.-9-2079_-9-2035del (NM_001353054.1, NM_001353053.1, NM_001353060.2 and 5 more transcripts); c.-47-172_-47-128del (NM_001353064.2, NM_001353066.2, NM_001353072.2 and 8 more transcripts); c.-1-2087_-1-2043del (NM_001353058.2, NM_001353059.2, NM_001353056.2 and 1 more transcripts); c.-38-181_-38-137del (NM_001353073.2, NM_001353065.2, NM_001353068.2 and 2 more transcripts); c.100-2079_100-2035del (NM_001127663.2); c.-32-187_-32-143del (NM_001353070.2); and 4 more.
Identifiers: ClinVar variation 1356454 (VCV001356454.32), dbSNP rs1275798438, ClinGen allele CA466976289.

ClinVar aggregate classification (germline): Conflicting classifications of pathogenicity. Review status: criteria provided, conflicting classifications (1 of 4 stars). 5 submissions from 5 submitters: Uncertain significance (2); Likely benign (3). Last evaluated 2026-08-03.

Conditions:
Inborn genetic diseases. Identifiers: MedGen C0950123, MeSH D030342.
GSN-related disorder. Also called: GSN-related condition.

Submissions (5):

PreventionGenetics, part of Exact Sciences
Classification: Likely benign for GSN-related condition. Last evaluated: 2026-08-03. Review status: criteria provided, single submitter. Criteria: ACMG Guidelines, 2015. Collection method: clinical testing. Allele origin: germline.
Comment: This variant is classified as likely benign based on ACMG/AMP sequence variant interpretation guidelines (Richards et al. 2015 PMID: 25741868, with internal and published modifications).

Labcorp Genetics (formerly Invitae), Labcorp
Classification: Uncertain significance. Last evaluated: 2026-01-28. Review status: criteria provided, single submitter. Criteria: Invitae Variant Classification Sherloc (09022015). Collection method: clinical testing. Allele origin: germline.
Comment: This variant, c.23_67del, results in the deletion of 15 amino acid(s) of the GSN protein (p.Pro8_Ser22del), but otherwise preserves the integrity of the reading frame. This variant is present in population databases (no rsID available, gnomAD 0.02%). This variant has not been reported in the literature in individuals affected with GSN-related conditions. ClinVar contains an entry for this variant (Variation ID: 1356454). Experimental studies and prediction algorithms are not available or were not evaluated, and the functional significance of this variant is currently unknown. In summary, the available evidence is currently insufficient to determine the role of this variant in disease. Therefore, it has been classified as a Variant of Uncertain Significance.

Mayo Clinic Laboratories, Mayo Clinic
Classification: Uncertain significance. Last evaluated: 2024-04-11. Review status: criteria provided, single submitter. Criteria: ACMG Guidelines, 2015. Collection method: clinical testing. Allele origin: germline. Observed: 1 variant allele.
Comment: BS2, PM4

CeGaT Center for Human Genetics Tuebingen
Classification: Likely benign. Last evaluated: 2024-01-01. Review status: criteria provided, single submitter. Criteria: CeGaT Center For Human Genetics Tuebingen Variant Classification Criteria Version 2. Collection method: clinical testing. Allele origin: germline. Affected: yes. Observed: 1 variant allele.
Comment: GSN: PM4, BS2

Ambry Genetics
Classification: Likely benign for Inborn genetic diseases. Last evaluated: 2023-09-14. Review status: criteria provided, single submitter. Criteria: Ambry Variant Classification Scheme 2023. Collection method: clinical testing. Allele origin: germline.